The following is an entry in ClinVar:

NM_002734.5(PRKAR1A):c.549+1G>A

Gene: PRKAR1A (protein kinase cAMP-dependent type I regulatory subunit alpha; plus strand). Cytogenetic location: 17q24.2.
Variant type: single nucleotide variant.
Coding change: c.549+1G>A on transcript NM_002734.5 (MANE Select); the canonical splice donor site of the intron after coding-DNA position 549, G replaced by A.
Molecular consequence: splice donor variant.
Genome position (GRCh38, 1-based): chr17:68,524,959, G>A. VCF-style: chr17-68524959-G-A. GRCh37 (hg19) VCF-style: chr17-66521100-G-A.
Other names: c.549+1G>A (NM_001278433.2, NM_001369389.1, NM_212471.3 and 5 more transcripts).
Identifiers: ClinVar variation 2820863 (VCV002820863.4), dbSNP rs2509413013, ClinGen allele CA400753036.
Genomic context (GRCh38, chr17:68,524,959, plus strand): 5'-TACCCTCTTTTAGGTGATGAAGGGGATAACTTCTATGTGATTGATCAAGGAGAGACGGAT[G>A]TAAGATTTACCAATATCAAAAATATGTTGATCTTAAAAGCCAATGTATTGATCGCTTCCG-3'

ClinVar aggregate classification (germline): Pathogenic/Likely pathogenic. Review status: criteria provided, multiple submitters, no conflicts (2 of 4 stars). 2 submissions from 2 submitters: Pathogenic (1); Likely pathogenic (1). Last evaluated 2025-09-25.

Conditions:
Carney complex, type 1 (CNC1). Also called: CARNEY COMPLEX, TYPE I; CARNEY MYXOMA-ENDOCRINE COMPLEX. Identifiers: Orphanet 1359, MedGen C2607929, MONDO:0008057, OMIM 160980.

Submissions (2):

Mayo Clinic Laboratories, Mayo Clinic
Classification: Pathogenic. Last evaluated: 2025-09-25. Review status: criteria provided, single submitter. Criteria: ACMG Guidelines, 2015. Collection method: clinical testing. Allele origin: germline. Observed: 1 variant allele.
Comment: PP4, PM2_supporting, PS4_supporting, PVS1

Labcorp Genetics (formerly Invitae), Labcorp
Classification: Likely pathogenic for Carney complex, type 1. Last evaluated: 2022-12-14. Review status: criteria provided, single submitter. Criteria: Invitae Variant Classification Sherloc (09022015). Collection method: clinical testing. Allele origin: germline.
Comment: Algorithms developed to predict the effect of sequence changes on RNA splicing suggest that this variant may disrupt the consensus splice site. In summary, the currently available evidence indicates that the variant is pathogenic, but additional data are needed to prove that conclusively. Therefore, this variant has been classified as Likely Pathogenic. This variant has not been reported in the literature in individuals affected with PRKAR1A-related conditions. This variant is not present in population databases (gnomAD no frequency). This sequence change affects a donor splice site in intron 6 of the PRKAR1A gene. It is expected to disrupt RNA splicing. Variants that disrupt the donor or acceptor splice site typically lead to a loss of protein function (PMID: 16199547), and loss-of-function variants in PRKAR1A are known to be pathogenic (PMID: 11115848, 19293268).

Literature cited by the submitters: PubMed 33414123 (cited by Mayo Clinic Laboratories, Mayo Clinic); PubMed 33749730 (cited by Mayo Clinic Laboratories, Mayo Clinic); PubMed 16199547 (cited by Labcorp Genetics (formerly Invitae), Labcorp); PubMed 11115848 (cited by Labcorp Genetics (formerly Invitae), Labcorp); PubMed 19293268 (cited by Labcorp Genetics (formerly Invitae), Labcorp).